The following is an entry in ClinVar:

ClinVar aggregate classification (germline): Pathogenic (1 of 4 stars; one submission).

Conditions:
Deficiency of acetyl-CoA acetyltransferase. Also called: MITOCHONDRIAL ACETOACETYL-CoA THIOLASE DEFICIENCY; 3-KETOTHIOLASE DEFICIENCY; 3-OXOTHIOLASE DEFICIENCY; Beta-ketothiolase deficiency. Identifiers: Orphanet 134, MedGen C1536500, MONDO:0008760, OMIM 203750. Disease mechanism: loss of function.

Submission:

Labcorp Genetics (formerly Invitae), Labcorp
Classification: Pathogenic for Deficiency of acetyl-CoA acetyltransferase. Last evaluated: 2023-12-26. Review status: criteria provided, single submitter. Criteria: Invitae Variant Classification Sherloc (09022015). Collection method: clinical testing. Allele origin: germline.
Comment: This sequence change creates a premature translational stop signal (p.Glu321Alafs*3) in the ACAT1 gene. It is expected to result in an absent or disrupted protein product. Loss-of-function variants in ACAT1 are known to be pathogenic (PMID: 7749408). This variant is not present in population databases (gnomAD no frequency). This variant has not been reported in the literature in individuals affected with ACAT1-related conditions. Algorithms developed to predict the effect of sequence changes on RNA splicing suggest that this variant may disrupt the consensus splice site. For these reasons, this variant has been classified as Pathogenic.

Literature cited by the submitters: PubMed 7749408.

NM_000019.4(ACAT1):c.962_963del (p.Glu321fs)

Gene: ACAT1 (acetyl-CoA acetyltransferase 1; plus strand). Cytogenetic location: 11q22.3.
Variant type: Deletion.
Coding change: c.962_963del on transcript NM_000019.4 (MANE Select); coding-DNA positions 962 to 963, 2 bases deleted (AA; older notation c.962_963delAA).
Protein change: p.Glu321fs; shifts the reading frame from glutamic acid 321.
Molecular consequence: frameshift variant. On other transcripts: non-coding transcript variant (1).
Genome position (GRCh38, 1-based): chr11:108,144,004-108,144,005, AA deleted. VCF-style (leftmost placement, unchanged base first): chr11-108144003-GAA-G. GRCh37 (hg19) VCF-style: chr11-108014730-GAA-G.
Other names: c.962_963del, p.Glu321fs (NM_001386677.1); c.647_648del, p.Glu216fs (NM_001386678.1); c.665_666del, p.Glu222fs (NM_001386679.1); c.692_693del, p.Glu231fs (NM_001386681.1, NM_001386682.1, NM_001386685.1 and 6 more transcripts); short protein forms E321fs, E216fs, E231fs, E222fs.
Identifiers: ClinVar variation 2705705 (VCV002705705.3), dbSNP rs2496646864, ClinGen allele CA2697548955.
Genomic context (GRCh38, chr11:108,144,003, plus strand): 5'-AAAAGATTTTAACAACCCCCCCCCCCCTTTTTTTAAACAGCATTTGCTGACGCTGCTGTA[GAA>G]CCTATTGATTTTCCAATTGCTCCTGTATATGCTGCATCTATGGTGAGAACAAAGTGAGGG-3'